The following is an entry in ClinVar:

NM_006005.3(WFS1):c.1820C>G (p.Pro607Arg)

Gene: WFS1 (wolframin ER transmembrane glycoprotein; plus strand). Cytogenetic location: 4p16.1.
Variant type: single nucleotide variant.
Coding change: c.1820C>G on transcript NM_006005.3 (MANE Select); coding-DNA position 1820, C replaced by G.
Protein change: p.Pro607Arg; replaces proline 607 with arginine.
Molecular consequence: missense variant.
Genome position (GRCh38, 1-based): chr4:6,301,615, C>G. VCF-style: chr4-6301615-C-G. GRCh37 (hg19) VCF-style: chr4-6303342-C-G.
Other names: c.1820C>G, p.Pro607Arg (NM_001145853.1); short protein forms P607R.
Identifiers: ClinVar variation 1297726 (VCV001297726.11), dbSNP rs373862003, ClinGen allele CA91796616.

ClinVar aggregate classification (germline): Conflicting classifications of pathogenicity. Review status: criteria provided, conflicting classifications (1 of 4 stars). 3 submissions from 3 submitters: Pathogenic (1); Uncertain significance (1). 1 of the submissions does not count toward it. Last evaluated 2023-05-03.

gnomAD v4.1: 9 of 1,614,000 alleles (0.00056%); highest among the groups gnomAD compares: Non-Finnish European, 0.00076%; no homozygotes.

Submissions (3):

GeneDx
Classification: Uncertain significance. Last evaluated: 2023-05-03. Review status: criteria provided, single submitter. Criteria: GeneDx Variant Classification Process June 2021. Collection method: clinical testing. Allele origin: germline. Affected: yes.
Comment: Not observed at significant frequency in large population cohorts (gnomAD); In silico analysis supports that this missense variant has a deleterious effect on protein structure/function; This variant is associated with the following publications: (PMID: 12707373)

Labcorp Genetics (formerly Invitae), Labcorp
Classification: Pathogenic. Last evaluated: 2021-09-09. Review status: criteria provided, single submitter. Criteria: Invitae Variant Classification Sherloc (09022015). Collection method: clinical testing. Allele origin: germline.
Comment: For these reasons, this variant has been classified as Pathogenic. Advanced modeling of protein sequence and biophysical properties (such as structural, functional, and spatial information, amino acid conservation, physicochemical variation, residue mobility, and thermodynamic stability) performed at Invitae indicates that this missense variant is expected to disrupt WFS1 protein function. This missense change has been observed in individual(s) with Wolfram syndrome (PMID: 12707373). In at least one individual the data is consistent with the variant being in trans (on the opposite chromosome) from a pathogenic variant. It has also been observed to segregate with disease in related individuals. This variant is not present in population databases (ExAC no frequency). This sequence change replaces proline with arginine at codon 607 of the WFS1 protein (p.Pro607Arg). The proline residue is highly conserved and there is a moderate physicochemical difference between proline and arginine.

Clinical Genetics DNA and cytogenetics Diagnostics Lab, Erasmus MC, Erasmus Medical Center
Classification: Likely pathogenic. Review status: no assertion criteria provided. Collection method: clinical testing. Allele origin: germline. Affected: yes. Study: VKGL Data-share Consensus. Not counted in ClinVar's aggregate classification.

Literature cited by the submitters: PubMed 12707373 (cited by Labcorp Genetics (formerly Invitae), Labcorp).